The following is an entry in ClinVar:

ClinVar aggregate classification (germline): Uncertain significance (1 of 4 stars; one submission).

gnomAD v4.1: 12 of 1,613,936 alleles (0.00074%); highest among the groups gnomAD compares: South Asian, 0.0055%; no homozygotes.

Submission:

Labcorp Genetics (formerly Invitae), Labcorp
Classification: Uncertain significance. Last evaluated: 2025-06-08. Review status: criteria provided, single submitter. Criteria: Invitae Variant Classification Sherloc (09022015). Collection method: clinical testing. Allele origin: germline.
Comment: This sequence change replaces arginine, which is basic and polar, with glutamine, which is neutral and polar, at codon 164 of the FECH protein (p.Arg164Gln). This variant is present in population databases (rs767754226, gnomAD 0.007%). This missense change has been observed in individual(s) with clinical features of erythropoietic protoporphyria (internal data). Invitae Evidence Modeling of protein sequence and biophysical properties (such as structural, functional, and spatial information, amino acid conservation, physicochemical variation, residue mobility, and thermodynamic stability) indicates that this missense variant is expected to disrupt FECH protein function with a positive predictive value of 80%. Algorithms developed to predict the effect of sequence changes on RNA splicing suggest that this variant may disrupt the consensus splice site. In summary, the available evidence is currently insufficient to determine the role of this variant in disease. Therefore, it has been classified as a Variant of Uncertain Significance.

NM_000140.5(FECH):c.491G>A (p.Arg164Gln)

Gene: FECH (ferrochelatase; minus strand). Cytogenetic location: 18q21.31.
Variant type: single nucleotide variant.
Coding change: c.491G>A on transcript NM_000140.5 (MANE Select); coding-DNA position 491, G replaced by A.
Protein change: p.Arg164Gln; replaces arginine 164 with glutamine.
Molecular consequence: missense variant.
Genome position (GRCh38, 1-based): chr18:57,566,554, C>T on the plus strand (G>A on the coding strand, the complement: FECH is on the minus strand). VCF-style: chr18-57566554-C-T. GRCh37 (hg19) VCF-style: chr18-55233786-C-T.
Other names: c.509G>A, p.Arg170Gln (NM_001012515.4); c.491G>A, p.Arg164Gln (NM_001371094.1, NM_001374778.1); c.275G>A, p.Arg92Gln (NM_001371095.1); short protein forms R164Q, R92Q, R170Q.
Identifiers: ClinVar variation 4749272 (VCV004749272.1).